The following is an entry in ClinVar:

NM_005236.3(ERCC4):c.2500G>T (p.Asp834Tyr)

Gene: ERCC4 (ERCC excision repair 4, endonuclease catalytic subunit; plus strand). Cytogenetic location: 16p13.12.
Variant type: single nucleotide variant.
Coding change: c.2500G>T on transcript NM_005236.3 (MANE Select); coding-DNA position 2500, G replaced by T.
Protein change: p.Asp834Tyr; replaces aspartic acid 834 with tyrosine.
Molecular consequence: missense variant.
Genome position (GRCh38, 1-based): chr16:13,948,096, G>T. VCF-style: chr16-13948096-G-T. GRCh37 (hg19) VCF-style: chr16-14041953-G-T.
Other names: short protein forms D834Y.
Identifiers: ClinVar variation 317823 (VCV000317823.9), dbSNP rs138583819, ClinGen allele CA7910754.
Genomic context (GRCh38, chr16:13,948,096, plus strand): 5'-GAGGAGCTGAAACAAAGCAAGCCACAGCCTGATGCGGCGACAGCACTGGCCATTACAGCA[G>T]ATTCTGAAACCCTTCCCGAGTCAGAGAAGTATAATCCTGGTCCCCAAGACTTCTTGTTAA-3'
Protein context (NP_005227.1, residues 824-844): DAATALAITA[Asp834Tyr]SETLPESEKY

ClinVar aggregate classification (germline): Uncertain significance. Review status: criteria provided, multiple submitters, no conflicts (2 of 4 stars). 3 submissions from 3 submitters: Uncertain significance (3). Last evaluated 2026-02-11.

Conditions:
Xeroderma pigmentosum, group F (XPF). Also called: XERODERMA PIGMENTOSUM, COMPLEMENTATION GROUP F; XERODERMA PIGMENTOSUM VI; XP, GROUP F; ERCC4-Related Xeroderma Pigmentosum; XERODERMA PIGMENTOSUM, TYPE F; Xeroderma pigmentosum, type 6. Identifiers: MedGen C0268140, MONDO:0010215, OMIM 278760.
Cockayne syndrome. Identifiers: Orphanet 191, MedGen C0009207, MONDO:0016006.
Fanconi anemia complementation group Q. Identifiers: Orphanet 84, MedGen C3808988, MONDO:0014108, OMIM 615272.

Allele frequency attached by ClinVar (database versions not stated): gnomAD 0.00001; TOPMed 0.00003; ESP Exome Variant Server 0.00008.
gnomAD v4.1: 93 of 1,614,026 alleles (0.0058%); highest among the groups gnomAD compares: Non-Finnish European, 0.0072%; no homozygotes.

Submissions (3):

St. Jude Molecular Pathology, St. Jude Children's Research Hospital
Classification: Uncertain significance for Xeroderma pigmentosum, group F. Last evaluated: 2026-02-11. Review status: criteria provided, single submitter. Criteria: St. Jude Assertion Criteria 2020. Collection method: clinical testing. Allele origin: germline.
Comment: The ERCC4 c.2500G>T p.(Asp834Tyr) missense change has a maximum subpopulation frequency of 0.007% in gnomAD v2.1.1. The in silico tool REVEL is inconclusive about a pathogenic or benign effect of this variant on protein function, and to our knowledge functional studies have not been performed. To our knowledge, this variant has not been reported in the literature in individuals with Fanconi anemia or Xeroderma pigmentosum. In summary, the evidence currently available is insufficient to determine the clinical significance of this variant. It has therefore been classified as of uncertain significance.

Labcorp Genetics (formerly Invitae), Labcorp
Classification: Uncertain significance for Fanconi anemia complementation group Q; Xeroderma pigmentosum, group F; Cockayne syndrome. Last evaluated: 2025-01-23. Review status: criteria provided, single submitter. Criteria: Invitae Variant Classification Sherloc (09022015). Collection method: clinical testing. Allele origin: germline.
Comment: This sequence change replaces aspartic acid, which is acidic and polar, with tyrosine, which is neutral and polar, at codon 834 of the ERCC4 protein (p.Asp834Tyr). This variant is present in population databases (rs138583819, gnomAD 0.008%). This variant has not been reported in the literature in individuals affected with ERCC4-related conditions. ClinVar contains an entry for this variant (Variation ID: 317823). Invitae Evidence Modeling of protein sequence and biophysical properties (such as structural, functional, and spatial information, amino acid conservation, physicochemical variation, residue mobility, and thermodynamic stability) indicates that this missense variant is expected to disrupt ERCC4 protein function with a positive predictive value of 80%. In summary, the available evidence is currently insufficient to determine the role of this variant in disease. Therefore, it has been classified as a Variant of Uncertain Significance.

Illumina Laboratory Services, Illumina
Classification: Uncertain significance for Xeroderma pigmentosum, group F. Last evaluated: 2018-01-13. Review status: criteria provided, single submitter. Criteria: ICSL Variant Classification Criteria 13 December 2019. Collection method: clinical testing. Allele origin: germline.